The following is an entry in ClinVar:

ClinVar aggregate classification (germline): Uncertain significance (1 of 4 stars; one submission).

Conditions:
Hajdu-Cheney syndrome (HJCYS). Also called: ACROOSTEOLYSIS WITH OSTEOPOROSIS AND CHANGES IN SKULL AND MANDIBLE; Acroosteolysis dominant type; SERPENTINE FIBULA-POLYCYSTIC KIDNEY SYNDROME. Identifiers: Orphanet 955, MedGen C0917715, MONDO:0007057, OMIM 102500.

gnomAD v4.1: 2 of 1,613,960 alleles (0.00012%); highest among the groups gnomAD compares: South Asian, 0.0011%; no homozygotes.

Submission:

Labcorp Genetics (formerly Invitae), Labcorp
Classification: Uncertain significance for Hajdu-Cheney syndrome. Last evaluated: 2025-05-07. Review status: criteria provided, single submitter. Criteria: Invitae Variant Classification Sherloc (09022015). Collection method: clinical testing. Allele origin: germline.
Comment: This sequence change replaces arginine, which is basic and polar, with cysteine, which is neutral and slightly polar, at codon 1931 of the NOTCH2 protein (p.Arg1931Cys). This variant is not present in population databases (gnomAD no frequency). This variant has not been reported in the literature in individuals affected with NOTCH2-related conditions. Invitae Evidence Modeling of protein sequence and biophysical properties (such as structural, functional, and spatial information, amino acid conservation, physicochemical variation, residue mobility, and thermodynamic stability) indicates that this missense variant is expected to disrupt NOTCH2 protein function with a positive predictive value of 80%. In summary, the available evidence is currently insufficient to determine the role of this variant in disease. Therefore, it has been classified as a Variant of Uncertain Significance.

NM_024408.4(NOTCH2):c.5791C>T (p.Arg1931Cys)

Gene: NOTCH2 (notch receptor 2; minus strand). Cytogenetic location: 1p12.
Variant type: single nucleotide variant.
Coding change: c.5791C>T on transcript NM_024408.4 (MANE Select); coding-DNA position 5791, C replaced by T.
Protein change: p.Arg1931Cys; replaces arginine 1931 with cysteine.
Molecular consequence: missense variant.
Genome position (GRCh38, 1-based): chr1:119,918,544, G>A on the plus strand (C>T on the coding strand, the complement: NOTCH2 is on the minus strand). VCF-style: chr1-119918544-G-A. GRCh37 (hg19) VCF-style: chr1-120461167-G-A.
Other names: short protein forms R1931C.
Identifiers: ClinVar variation 4706550 (VCV004706550.1).